The following is an entry in ClinVar:

ClinVar aggregate classification (germline): Uncertain significance (1 of 4 stars; one submission).

Allele frequency attached by ClinVar (database versions not stated): gnomAD exomes below 0.00001.
gnomAD v4.1: 5 of 1,614,092 alleles (0.00031%); highest among the groups gnomAD compares: Non-Finnish European, 0.00034%; no homozygotes.

Submission:

GeneDx
Classification: Uncertain significance. Last evaluated: 2023-01-16. Review status: criteria provided, single submitter. Criteria: GeneDx Variant Classification Process June 2021. Collection method: clinical testing. Allele origin: germline. Affected: yes.
Comment: Not observed at significant frequency in large population cohorts (gnomAD); In silico analysis supports that this missense variant has a deleterious effect on protein structure/function; Has not been previously published as pathogenic or benign to our knowledge

NM_001378743.1(CYLD):c.2402A>T (p.Glu801Val)

Genes: CYLD (CYLD lysine 63 deubiquitinase; plus strand), CYLD-AS2 (CYLD antisense RNA 2; minus strand). Cytogenetic location: 16q12.1.
Variant type: single nucleotide variant.
Coding change: c.2402A>T on transcript NM_001378743.1 (MANE Select); coding-DNA position 2402, A replaced by T.
Protein change: p.Glu801Val; replaces glutamic acid 801 with valine.
Molecular consequence: missense variant. On other transcripts: non-coding transcript variant (1).
Genome position (GRCh38, 1-based): chr16:50,793,597, A>T. VCF-style: chr16-50793597-A-T. GRCh37 (hg19) VCF-style: chr16-50827508-A-T.
Other names: c.2393A>T, p.Glu798Val (NM_001042355.2, NM_001042412.3, NM_001378744.1 and 6 more transcripts); c.2363A>T, p.Glu788Val (NM_001378751.1, NM_001378752.1, NM_001378753.1); c.1727A>T, p.Glu576Val (NM_001378754.1, NM_001378755.1); c.2402A>T, p.Glu801Val (NM_015247.3); short protein forms E576V, E788V, E798V, E801V.
Identifiers: ClinVar variation 2572901 (VCV002572901.1), dbSNP rs756631851, ClinGen allele CA281278156.